The following is an entry in ClinVar:

ClinVar aggregate classification (germline): Uncertain significance (1 of 4 stars; one submission).

Conditions:
Biotinidase deficiency. Also called: BTD deficiency; Late-onset biotin-responsive multiple carboxylase deficiency; Biotin deficiency. Identifiers: Orphanet 79241, MedGen C0220754, MONDO:0009665, OMIM 253260.

Submission:

Labcorp Genetics (formerly Invitae), Labcorp
Classification: Uncertain significance for Biotinidase deficiency. Last evaluated: 2025-08-27. Review status: criteria provided, single submitter. Criteria: Invitae Variant Classification Sherloc (09022015). Collection method: clinical testing. Allele origin: germline.
Comment: This sequence change replaces glycine, which is neutral and non-polar, with cysteine, which is neutral and slightly polar, at codon 238 of the BTD protein (p.Gly238Cys). This variant is not present in population databases (gnomAD no frequency). This variant has not been reported in the literature in individuals affected with BTD-related conditions. Invitae Evidence Modeling of protein sequence and biophysical properties (such as structural, functional, and spatial information, amino acid conservation, physicochemical variation, residue mobility, and thermodynamic stability) indicates that this missense variant is expected to disrupt BTD protein function with a positive predictive value of 95%. In summary, the available evidence is currently insufficient to determine the role of this variant in disease. Therefore, it has been classified as a Variant of Uncertain Significance.

NM_001370658.1(BTD):c.652G>T (p.Gly218Cys)

Gene: BTD (biotinidase; plus strand). Cytogenetic location: 3p25.1.
Variant type: single nucleotide variant.
Coding change: c.652G>T on transcript NM_001370658.1 (MANE Select); coding-DNA position 652, G replaced by T.
Protein change: p.Gly218Cys; replaces glycine 218 with cysteine.
Molecular consequence: missense variant. On other transcripts: intron variant (6).
Genome position (GRCh38, 1-based): chr3:15,644,568, G>T. VCF-style: chr3-15644568-G-T. GRCh37 (hg19) VCF-style: chr3-15686075-G-T.
Other names: c.652G>T, p.Gly218Cys (NM_001281723.4, NM_001281724.3, NM_001281725.3 and 18 more transcripts); c.399+2511G>T (NM_001370753.1, NM_001407400.1, NM_001407401.1 and 3 more transcripts); short protein forms G218C.
Identifiers: ClinVar variation 4745935 (VCV004745935.1).